The following is an entry in ClinVar:

NM_002485.5(NBN):c.1846-1G>T

Genes: NBN (nibrin; minus strand), LOC126860438 (MED14-independent group 3 enhancer GRCh37_chr8:90959982-90961181; plus strand). Cytogenetic location: 8q21.3.
Variant type: single nucleotide variant.
Coding change: c.1846-1G>T on transcript NM_002485.5 (MANE Select); the canonical splice acceptor site of the intron before coding-DNA position 1846, G replaced by T.
Molecular consequence: splice acceptor variant.
Genome position (GRCh38, 1-based): chr8:89,947,893, C>A on the plus strand (G>T on the coding strand, the complement: NBN is on the minus strand). VCF-style: chr8-89947893-C-A. GRCh37 (hg19) VCF-style: chr8-90960121-C-A.
Other names: c.1600-1G>T (NM_001024688.3).
Identifiers: ClinVar variation 841428 (VCV000841428.8), dbSNP rs61753717, ClinGen allele CA371677329.
Genomic context (GRCh38, chr8:89,947,893, plus strand): 5'-TTTAGCTGACCATAGTGAGTCTTCCTTGAGTTCACGTTTCTTCCCAATTTCATTTTCTTG[C>A]TAAAGAAATAAAATAAAAAATACTGTTCATAGGAGTAATAAAATGGTATGTTTCTATCAC-3'

ClinVar aggregate classification (germline): Likely pathogenic (1 of 4 stars; one submission).

Conditions:
Microcephaly, normal intelligence and immunodeficiency (NBS). Also called: Microcephaly with normal intelligence immunodeficiency and lymphoreticular malignancies; Nonsyndromal microcephaly autosomal recessive with normal intelligence; Seemanova syndrome 2; Immunodeficiency, microcephaly with normal intelligence; SEEMANOVA SYNDROME II; IMMUNODEFICIENCY, MICROCEPHALY, AND CHROMOSOMAL INSTABILITY. Identifiers: Orphanet 647, MedGen C0398791, MONDO:0009623, OMIM 251260.

Allele frequency attached by ClinVar (database versions not stated): TOPMed below 0.00001.
gnomAD v4.1: 1 of 1,536,954 alleles (0.000065%); highest among the groups gnomAD compares: Non-Finnish European, 0.000089%; no homozygotes.

Submission:

Labcorp Genetics (formerly Invitae), Labcorp
Classification: Likely pathogenic for Microcephaly, normal intelligence and immunodeficiency. Last evaluated: 2022-10-07. Review status: criteria provided, single submitter. Criteria: Invitae Variant Classification Sherloc (09022015). Collection method: clinical testing. Allele origin: germline.
Comment: ClinVar contains an entry for this variant (Variation ID: 841428). This sequence change affects an acceptor splice site in intron 11 of the NBN gene. It is expected to disrupt RNA splicing. Variants that disrupt the donor or acceptor splice site typically lead to a loss of protein function (PMID: 16199547), and loss-of-function variants in NBN are known to be pathogenic (PMID: 9590180, 16415040). This variant is not present in population databases (gnomAD no frequency). This variant has not been reported in the literature in individuals affected with NBN-related conditions. Algorithms developed to predict the effect of sequence changes on RNA splicing suggest that this variant may disrupt the consensus splice site. In summary, the currently available evidence indicates that the variant is pathogenic, but additional data are needed to prove that conclusively. Therefore, this variant has been classified as Likely Pathogenic.

Literature cited by the submitters: PubMed 16199547; PubMed 9590180; PubMed 16415040.